The following is an entry in ClinVar:

NM_052874.5(STX1B):c.338_354+15del

Gene: STX1B (syntaxin 1B; minus strand). Cytogenetic location: 16p11.2.
Variant type: Deletion.
Coding change: c.338_354+15del on transcript NM_052874.5 (MANE Select); coding-DNA position 338 through 15 bases into the intron after coding-DNA position 354, 32 bases deleted.
Molecular consequence: splice donor variant.
Genome position (GRCh38, 1-based): chr16:30,997,487-30,997,518, 32 bases deleted; deleting any 32 consecutive bases within chr16:30,997,487-30,997,520 gives the same sequence; the c. name uses the placement nearest the transcript's 3' end. GRCh37 (hg19): chr16:31,008,810-31,008,841.
Identifiers: ClinVar variation 2849088 (VCV002849088.3), dbSNP rs2543960933, ClinGen allele CA2739266728.

ClinVar aggregate classification (germline): Pathogenic (1 of 4 stars; one submission).

Conditions:
Generalized epilepsy with febrile seizures plus, type 9 (GEFSP9). Also called: GEFS+, TYPE 9. Identifiers: Orphanet 36387, MedGen C4015395, MONDO:0014517, OMIM 616172.

Submission:

Labcorp Genetics (formerly Invitae), Labcorp
Classification: Pathogenic for Generalized epilepsy with febrile seizures plus, type 9. Last evaluated: 2023-03-24. Review status: criteria provided, single submitter. Criteria: Invitae Variant Classification Sherloc (09022015). Collection method: clinical testing. Allele origin: germline.
Comment: This variant is not present in population databases (gnomAD no frequency). This variant has not been reported in the literature in individuals affected with STX1B-related conditions. Algorithms developed to predict the effect of sequence changes on RNA splicing suggest that this variant may disrupt the consensus splice site. This variant disrupts a region of the STX1B protein in which other variant(s) (p.Arg115Pro) have been determined to be pathogenic (Invitae). This suggests that this is a clinically significant region of the protein, and that variants that disrupt it are likely to be disease-causing. For these reasons, this variant has been classified as Pathogenic. This variant results in the deletion of part of exon 5 of the STX1B gene. It is expected to disrupt RNA splicing. Variants that disrupt the donor or acceptor splice site typically lead to a loss of protein function (PMID: 16199547), and loss-of-function variants in STX1B are known to be pathogenic (PMID: 25362483).

Literature cited by the submitters: PubMed 16199547; PubMed 25362483.